The following is an entry in ClinVar:

NM_001365276.2(TNXB):c.4618A>G (p.Met1540Val)

Gene: TNXB (tenascin XB; minus strand). Cytogenetic location: 6p21.33.
Variant type: single nucleotide variant.
Coding change: c.4618A>G on transcript NM_001365276.2 (MANE Select); coding-DNA position 4618, A replaced by G.
Protein change: p.Met1540Val; replaces methionine 1540 with valine.
Molecular consequence: missense variant.
Genome position (GRCh38, 1-based): chr6:32,073,710, T>C on the plus strand (A>G on the coding strand, the complement: TNXB is on the minus strand). VCF-style: chr6-32073710-T-C. GRCh37 (hg19) VCF-style: chr6-32041487-T-C.
Other names: c.4618A>G, p.Met1540Val (NM_019105.8); short protein forms M1540V.
Identifiers: ClinVar variation 1741924 (VCV001741924.3), dbSNP rs1778908775, ClinGen allele CA363423622.

ClinVar aggregate classification (germline): Uncertain significance (1 of 4 stars; one submission).

Conditions:
Cardiovascular phenotype. Identifiers: MedGen CN230736.

Allele frequency attached by ClinVar (database versions not stated): gnomAD 0.00001; gnomAD exomes below 0.00001; TOPMed 0.00001.

Submission:

Ambry Genetics
Classification: Uncertain significance for Cardiovascular phenotype. Last evaluated: 2025-11-15. Review status: criteria provided, single submitter. Criteria: Ambry Variant Classification Scheme 2023. Collection method: clinical testing. Allele origin: germline.
Comment: The p.M1540V variant (also known as c.4618A>G), located in coding exon 11 of the TNXB gene, results from an A to G substitution at nucleotide position 4618. The methionine at codon 1540 is replaced by valine, an amino acid with highly similar properties. This amino acid position is conserved. In addition, this alteration is predicted to be tolerated by in silico analysis. Since supporting evidence is limited at this time, the clinical significance of this alteration remains unclear.